The following is an entry in ClinVar:

NR_003051.3(RMRP):n.-25_-12dupTACTACTCTGTGAA

Gene: RMRP (RNA component of mitochondrial RNA processing endoribonuclease; minus strand). Cytogenetic location: 9p13.3.
Variant type: Duplication.
Genome position: GRCh38 VCF-style: chr9-35658029-C-CTTCACAGAGTAGTA. GRCh37 (hg19) VCF-style: chr9-35658026-C-CTTCACAGAGTAGTA.
Identifiers: ClinVar variation 551137 (VCV000551137.25), dbSNP rs1554651499, ClinGen allele CA587570225.

ClinVar aggregate classification (germline): Pathogenic/Likely pathogenic. Review status: criteria provided, multiple submitters, no conflicts (2 of 4 stars). 5 submissions from 5 submitters: Pathogenic (2); Likely pathogenic (2). 1 of the submissions does not count toward it. Last evaluated 2026-01-24.

Conditions:
RMRP-related disorder. Also called: RMRP-related condition.
Anauxetic dysplasia. Identifiers: Orphanet 93347, MedGen C1846796, MONDO:0011773.
Metaphyseal chondrodysplasia, McKusick type (CHH). Also called: Cartilage-hair hypoplasia; Cartilage-Hair Hypoplasia (CHH). Identifiers: Orphanet 175, MedGen C0220748, MONDO:0009595, OMIM 250250.

Submissions (5):

Labcorp Genetics (formerly Invitae), Labcorp
Classification: Pathogenic for Anauxetic dysplasia. Last evaluated: 2026-01-24. Review status: criteria provided, single submitter. Criteria: Invitae Variant Classification Sherloc (09022015). Collection method: clinical testing. Allele origin: germline.
Comment: This variant occurs in the RMRP gene, which encodes an RNA molecule that does not result in a protein product. This variant is present in population databases (no rsID available, gnomAD 0.002%). This variant has been observed in individual(s) with cartilage-hair hypoplasia (PMID: 21146796). In at least one individual the data is consistent with being in trans (on the opposite chromosome) from a pathogenic variant. Other insertions and duplications immediately upstream of the coding sequence have been reported in individuals affected with cartilage-hair hypoplasia-anauxetic dysplasia (CHH-AD) spectrum disorders (PMID: 16244706, 11207361, 12107819). This variant is also known as g.−26 to −13 dupTACTACTCTGTGAA. ClinVar contains an entry for this variant (Variation ID: 551137). While functional studies for this variant have not been reported, experimental analyses using patient derived cells, as well as in vitro transfection studies, have shown that promoter insertions result in silencing of RMRP transcription and reduced expression of the gene product (PMID: 11207361, 16254002). For these reasons, this variant has been classified as Pathogenic.

Natera, Inc.
Classification: Likely pathogenic for Cartilage-hair hypoplasia. Last evaluated: 2025-10-20. Review status: criteria provided, single submitter. Criteria: Natera Variant Classification Schema (03/2026). Collection method: clinical testing. Allele origin: germline.
Comment: The n.-25_-12dupTACTACTCTGTGAA variant in RMRP is a duplication affecting the RMRP promoter region between the TATA box and the transcription initiation site. Other duplications and insertions just upstream of the transcription initiation site have been reported in individuals affected with cartilage-hair hypoplasia (PMID: 11207361, 17937437). This variant is rare in the general population with a frequency below the threshold expected for the associated phenotype(s). Given the available evidence, this variant is classified as Likely pathogenic.

Blueprint Genetics
Classification: Pathogenic for RMRP-related disorders. Last evaluated: 2024-11-27. Review status: criteria provided, single submitter. Criteria: ACMG Guidelines, 2015. Collection method: clinical testing. Allele origin: germline. Affected: yes. Observed: 5 variant alleles.

CeGaT Center for Human Genetics Tuebingen
Classification: Likely pathogenic. Last evaluated: 2024-08-01. Review status: criteria provided, single submitter. Criteria: CeGaT Center For Human Genetics Tuebingen Variant Classification Criteria Version 2. Collection method: clinical testing. Allele origin: germline. Affected: yes. Observed: 1 variant allele.
Comment: RMRP: PM1:Strong, PM2, PM3:Supporting, PP4

Counsyl
Classification: Likely pathogenic for Metaphyseal chondrodysplasia, McKusick type. Last evaluated: 2017-03-16. Review status: no assertion criteria provided. Collection method: clinical testing. Allele origin: unknown. Not counted in ClinVar's aggregate classification.

Literature cited by the submitters: PubMed 21146796 (cited by Labcorp Genetics (formerly Invitae), Labcorp and Counsyl); PubMed 16244706 (cited by Labcorp Genetics (formerly Invitae), Labcorp); PubMed 11207361 (cited by 3 submitters); PubMed 12107819 (cited by Labcorp Genetics (formerly Invitae), Labcorp); PubMed 16254002 (cited by Labcorp Genetics (formerly Invitae), Labcorp and Counsyl); PubMed 17937437 (cited by Natera, Inc. and Counsyl); PubMed 14608646 (cited by Counsyl).